The following is an entry in ClinVar:

NM_001105206.3(LAMA4):c.3287T>C (p.Met1096Thr)

Gene: LAMA4 (laminin subunit alpha 4; minus strand). Cytogenetic location: 6q21.
Variant type: single nucleotide variant.
Coding change: c.3287T>C on transcript NM_001105206.3 (MANE Select); coding-DNA position 3287, T replaced by C.
Protein change: p.Met1096Thr; replaces methionine 1096 with threonine.
Molecular consequence: missense variant.
Genome position (GRCh38, 1-based): chr6:112,136,250, A>G on the plus strand (T>C on the coding strand, the complement: LAMA4 is on the minus strand). VCF-style: chr6-112136250-A-G. GRCh37 (hg19) VCF-style: chr6-112457452-A-G.
Other names: c.3266T>C, p.Met1089Thr (NM_001105207.3, NM_002290.5); short protein forms M1096T, M1089T.
Identifiers: ClinVar variation 1981709 (VCV001981709.4), dbSNP rs1554331558, ClinGen allele CA365377835.
Genomic context (GRCh38, chr6:112,136,250, plus strand): 5'-CTGAATCCAAAATCATAGAACACATGTAGGTAACCATTGCGCATTTCCAGTCTGAAAAAC[A>G]TACTCTGAGGAGAGAAAGGAATTGTAAGATAGGAACATCTGTTATGCGAGTAGAGTCAGA-3'
Protein context (NP_001098676.2, residues 1086-1106): GLILLMVNGS[Met1096Thr]FFRLEMRNGY

ClinVar aggregate classification (germline): Uncertain significance (1 of 4 stars; one submission).

Conditions:
Dilated cardiomyopathy 1JJ (CMD1JJ). Identifiers: Orphanet 154, MedGen C3808935, MONDO:0014095, OMIM 615235.

Allele frequency attached by ClinVar (database versions not stated): gnomAD exomes below 0.00001; TOPMed below 0.00001.

Submission:

Labcorp Genetics (formerly Invitae), Labcorp
Classification: Uncertain significance for Dilated cardiomyopathy 1JJ. Last evaluated: 2022-06-29. Review status: criteria provided, single submitter. Criteria: Invitae Variant Classification Sherloc (09022015). Collection method: clinical testing. Allele origin: germline.
Comment: This sequence change replaces methionine, which is neutral and non-polar, with threonine, which is neutral and polar, at codon 1089 of the LAMA4 protein (p.Met1089Thr). This variant is present in population databases (no rsID available, gnomAD 0.003%). This variant has not been reported in the literature in individuals affected with LAMA4-related conditions. Algorithms developed to predict the effect of missense changes on protein structure and function output the following: SIFT: "Tolerated"; PolyPhen-2: "Benign"; Align-GVGD: "Class C0". The threonine amino acid residue is found in multiple mammalian species, which suggests that this missense change does not adversely affect protein function. In summary, the available evidence is currently insufficient to determine the role of this variant in disease. Therefore, it has been classified as a Variant of Uncertain Significance.